The following is an entry in ClinVar:

ClinVar aggregate classification (germline): Uncertain significance (1 of 4 stars; one submission).

Conditions:
Severe early-onset pulmonary alveolar proteinosis due to MARS deficiency. Also called: PULMONARY ALVEOLAR PROTEINOSIS, REUNION ISLAND; Interstitial lung and liver disease. Identifiers: Orphanet 440427, MedGen C4225400, MONDO:0014206, OMIM 615486.
Charcot-Marie-Tooth disease axonal type 2U. Also called: CHARCOT-MARIE-TOOTH NEUROPATHY, TYPE 2U; CHARCOT-MARIE-TOOTH DISEASE, AXONAL, AUTOSOMAL DOMINANT, TYPE 2U. Identifiers: Orphanet 397735, MedGen C4084821, MONDO:0014566, OMIM 616280.

Allele frequency attached by ClinVar (database versions not stated): gnomAD exomes below 0.00001; gnomAD 0.00001; ExAC 0.00002; TOPMed 0.00002; ESP Exome Variant Server 0.00015.
gnomAD v4.1: 2 of 1,614,006 alleles (0.00012%); highest among the groups gnomAD compares: Non-Finnish European, 0.00017%; no homozygotes.

Submission:

Labcorp Genetics (formerly Invitae), Labcorp
Classification: Uncertain significance for Charcot-Marie-Tooth disease axonal type 2U; Severe early-onset pulmonary alveolar proteinosis due to MARS deficiency. Last evaluated: 2023-06-04. Review status: criteria provided, single submitter. Criteria: Invitae Variant Classification Sherloc (09022015). Collection method: clinical testing. Allele origin: germline.
Comment: This variant is present in population databases (rs373685852, gnomAD 0.002%). This sequence change replaces leucine, which is neutral and non-polar, with valine, which is neutral and non-polar, at codon 143 of the MARS protein (p.Leu143Val). In summary, the available evidence is currently insufficient to determine the role of this variant in disease. Therefore, it has been classified as a Variant of Uncertain Significance. Algorithms developed to predict the effect of missense changes on protein structure and function output the following: SIFT: "Not Available"; PolyPhen-2: "Benign"; Align-GVGD: "Not Available". The valine amino acid residue is found in multiple mammalian species, which suggests that this missense change does not adversely affect protein function. This variant has not been reported in the literature in individuals affected with MARS-related conditions.

NM_004990.4(MARS1):c.427C>G (p.Leu143Val)

Gene: MARS1 (methionyl-tRNA synthetase 1; plus strand). Cytogenetic location: 12q13.3.
Variant type: single nucleotide variant.
Coding change: c.427C>G on transcript NM_004990.4 (MANE Select); coding-DNA position 427, C replaced by G.
Protein change: p.Leu143Val; replaces leucine 143 with valine.
Molecular consequence: missense variant.
Genome position (GRCh38, 1-based): chr12:57,489,908, C>G. VCF-style: chr12-57489908-C-G. GRCh37 (hg19) VCF-style: chr12-57883691-C-G.
Other names: short protein forms L143V.
Identifiers: ClinVar variation 2924139 (VCV002924139.3), dbSNP rs373685852, ClinGen allele CA6650177.
Genomic context (GRCh38, chr12:57,489,908, plus strand): 5'-ACTGAGTGTCTCATTTGTGTACATTTTCCTTTTCTATCCCCAACAAAGGAGACAGAATCT[C>G]TAGCCGACATTGTTTTGTGGGGAGCCCTATACCCATTACTGCAAGATCCCGCCTACCTCC-3'
Protein context (NP_004981.2, residues 133-153): CPFLAGETES[Leu143Val]ADIVLWGALY